The following is an entry in ClinVar:

ClinVar aggregate classification (germline): Uncertain significance. Review status: criteria provided, multiple submitters, no conflicts (2 of 4 stars). 2 submissions from 2 submitters: Uncertain significance (2). Last evaluated 2024-09-14.

Allele frequency attached by ClinVar (database versions not stated): gnomAD exomes 0.00001; ExAC 0.00002.
gnomAD v4.1: 9 of 1,614,046 alleles (0.00056%); highest among the groups gnomAD compares: Non-Finnish European, 0.00076%; no homozygotes.

Submissions (2):

Blueprint Genetics
Classification: Uncertain significance. Last evaluated: 2024-09-14. Review status: criteria provided, single submitter. Criteria: ACMG Guidelines, 2015. Collection method: clinical testing. Allele origin: germline.

Labcorp Genetics (formerly Invitae), Labcorp
Classification: Uncertain significance. Last evaluated: 2022-09-28. Review status: criteria provided, single submitter. Criteria: Invitae Variant Classification Sherloc (09022015). Collection method: clinical testing. Allele origin: germline.
Comment: ClinVar contains an entry for this variant (Variation ID: 1461456). This sequence change replaces threonine, which is neutral and polar, with lysine, which is basic and polar, at codon 167 of the RP1L1 protein (p.Thr167Lys). This variant is present in population databases (rs775422104, gnomAD 0.002%). This variant has not been reported in the literature in individuals affected with RP1L1-related conditions. Advanced modeling of protein sequence and biophysical properties (such as structural, functional, and spatial information, amino acid conservation, physicochemical variation, residue mobility, and thermodynamic stability) performed at Invitae indicates that this missense variant is not expected to disrupt RP1L1 protein function. In summary, the available evidence is currently insufficient to determine the role of this variant in disease. Therefore, it has been classified as a Variant of Uncertain Significance.

NM_178857.6(RP1L1):c.500C>A (p.Thr167Lys)

Gene: RP1L1 (RP1 like 1). Cytogenetic location: 8p23.1.
Variant type: single nucleotide variant.
Coding change: c.500C>A on transcript NM_178857.6 (MANE Select); coding-DNA position 500, C replaced by A.
Protein change: p.Thr167Lys; replaces threonine 167 with lysine.
Molecular consequence: missense variant.
Genome position (GRCh38, 1-based): chr8:10,622,702, G>T on the plus strand (C>A on the coding strand, the complement: RP1L1 is on the minus strand). VCF-style: chr8-10622702-G-T. GRCh37 (hg19) VCF-style: chr8-10480212-G-T.
Other names: short protein forms T167K.
Identifiers: ClinVar variation 1461456 (VCV001461456.9), dbSNP rs775422104, ClinGen allele CA4625666.